The following is an entry in ClinVar:

ClinVar aggregate classification (germline): Uncertain significance. Review status: criteria provided, multiple submitters, no conflicts (2 of 4 stars). 2 submissions from 2 submitters: Uncertain significance (2). Last evaluated 2022-03-19.

Conditions:
Early-infantile DEE. Also called: Early infantile epileptic encephalopathy; Ohtahara syndrome; Early infantile epileptic encephalopathy with suppression bursts. Identifiers: Orphanet 1934, MedGen C0393706, MONDO:0800491.

Allele frequency attached by ClinVar (database versions not stated): gnomAD exomes below 0.00001; TOPMed below 0.00001.
gnomAD v4.1: 1 of 1,613,974 alleles (0.000062%); highest among the groups gnomAD compares: East Asian, 0.0022%; no homozygotes.

Submissions (2):

Labcorp Genetics (formerly Invitae), Labcorp
Classification: Uncertain significance for Early-infantile DEE. Last evaluated: 2022-03-19. Review status: criteria provided, single submitter. Criteria: Invitae Variant Classification Sherloc (09022015). Collection method: clinical testing. Allele origin: germline.
Comment: In summary, the available evidence is currently insufficient to determine the role of this variant in disease. Therefore, it has been classified as a Variant of Uncertain Significance. Algorithms developed to predict the effect of missense changes on protein structure and function are either unavailable or do not agree on the potential impact of this missense change (SIFT: "Deleterious"; PolyPhen-2: "Possibly Damaging"; Align-GVGD: "Class C0"). ClinVar contains an entry for this variant (Variation ID: 941314). This variant has not been reported in the literature in individuals affected with SCN8A-related conditions. This variant is not present in population databases (gnomAD no frequency). This sequence change replaces isoleucine, which is neutral and non-polar, with threonine, which is neutral and polar, at codon 1827 of the SCN8A protein (p.Ile1827Thr).

GeneDx
Classification: Uncertain significance. Last evaluated: 2019-07-09. Review status: criteria provided, single submitter. Criteria: GeneDx Variant Classification Process June 2021. Collection method: clinical testing. Allele origin: germline. Affected: yes.
Comment: Not observed in large population cohorts (Lek et al., 2016); In silico analysis, which includes protein predictors and evolutionary conservation, supports a deleterious effect; The majority of missense variants in this gene are considered pathogenic (Stenson et al., 2014); Has not been previously published as pathogenic or benign to our knowledge

NM_001330260.2(SCN8A):c.5480T>C (p.Ile1827Thr)

Gene: SCN8A (sodium voltage-gated channel alpha subunit 8; plus strand). Cytogenetic location: 12q13.13.
Variant type: single nucleotide variant.
Coding change: c.5480T>C on transcript NM_001330260.2 (MANE Select); coding-DNA position 5480, T replaced by C.
Protein change: p.Ile1827Thr; replaces isoleucine 1827 with threonine.
Molecular consequence: missense variant.
Genome position (GRCh38, 1-based): chr12:51,806,966, T>C. VCF-style: chr12-51806966-T-C. GRCh37 (hg19) VCF-style: chr12-52200750-T-C.
Other names: c.5357T>C, p.Ile1786Thr (NM_001177984.3, NM_001369788.1); c.5480T>C, p.Ile1827Thr (NM_014191.4); short protein forms I1786T, I1827T.
Identifiers: ClinVar variation 941314 (VCV000941314.12), dbSNP rs1938719619, ClinGen allele CA384886661.